The following is an entry in ClinVar:

ClinVar aggregate classification (germline): Uncertain significance (1 of 4 stars; one submission).

Submission:

GeneDx
Classification: Uncertain significance. Last evaluated: 2017-02-20. Review status: criteria provided, single submitter. Criteria: GeneDx Variant Classification (06012015). Collection method: clinical testing. Allele origin: germline. Affected: yes.
Comment: A variant of uncertain significance has been identified in the PCDH19 gene. The c.570_572dupCGT variant has not been published as a pathogenic variant, nor has it been reported as a benign variant to our knowledge. The c.570_572dupCGT variant is not observed in large population cohorts (Lek et al., 2016; 1000 Genomes Consortium et al., 2015; Exome Variant Server). The c.570_572dupCGT variant results in an in-frame duplication of a single Valine residue, denoted p.V192dup. This duplication occurs at a position that is conserved across species. Therefore, based on the currently available information, it is unclear whether this variant is a pathogenic variant or a rare benign variant.

NM_001184880.2(PCDH19):c.570_572dup (p.Val192dup)

Gene: PCDH19 (protocadherin 19; minus strand). Cytogenetic location: Xq22.1.
Variant type: Duplication.
Coding change: c.570_572dup on transcript NM_001184880.2 (MANE Select); coding-DNA positions 570 to 572, 3 bases duplicated (CGT; older notation c.570_572dupCGT).
Protein change: p.Val192dup; duplicates valine 192.
Molecular consequence: inframe insertion.
Genome position (GRCh38, 1-based): chrX:100,408,026-100,408,028, ACG duplicated on the plus strand (CGT on the coding strand, the reverse complement: PCDH19 is on the minus strand); duplicating any 3 consecutive bases within chrX:100,408,026-100,408,029 gives the same sequence; the c. name uses the placement nearest the transcript's 3' end. VCF-style (leftmost placement, unchanged base first): chrX-100408025-C-CACG. GRCh37 (hg19) VCF-style: chrX-99663023-C-CACG.
Other names: c.570_572dup, p.Val192dup (NM_001105243.2, NM_020766.3).
Identifiers: ClinVar variation 423596 (VCV000423596.2), dbSNP rs1555985576, ClinGen allele CA16621149.